The following is an entry in ClinVar:

ClinVar aggregate classification (germline): Uncertain significance (1 of 4 stars; one submission).

Conditions:
Candidiasis, familial, 9 (CANDF9). Identifiers: Orphanet 1334, MedGen C4225324, MONDO:0014642, OMIM 616445.

Submission:

Labcorp Genetics (formerly Invitae), Labcorp
Classification: Uncertain significance for Candidiasis, familial, 9. Last evaluated: 2023-05-23. Review status: criteria provided, single submitter. Criteria: Invitae Variant Classification Sherloc (09022015). Collection method: clinical testing. Allele origin: germline.
Comment: In summary, the available evidence is currently insufficient to determine the role of this variant in disease. Therefore, it has been classified as a Variant of Uncertain Significance. An algorithm developed to predict the effect of missense changes on protein structure and function (PolyPhen-2) suggests that this variant is likely to be disruptive. This variant has not been reported in the literature in individuals affected with IL17RC-related conditions. This variant is not present in population databases (gnomAD no frequency). This sequence change replaces proline, which is neutral and non-polar, with leucine, which is neutral and non-polar, at codon 436 of the IL17RC protein (p.Pro436Leu).

NM_153460.4(IL17RC):c.1094C>T (p.Pro365Leu)

Gene: IL17RC (interleukin 17 receptor C; plus strand). Cytogenetic location: 3p25.3.
Variant type: single nucleotide variant.
Coding change: c.1094C>T on transcript NM_153460.4 (MANE Select); coding-DNA position 1094, C replaced by T.
Protein change: p.Pro365Leu; replaces proline 365 with leucine.
Molecular consequence: missense variant. On other transcripts: non-coding transcript variant (1), intron variant (3).
Genome position (GRCh38, 1-based): chr3:9,928,614, C>T. VCF-style: chr3-9928614-C-T. GRCh37 (hg19) VCF-style: chr3-9970298-C-T.
Other names: c.1094C>T, p.Pro365Leu (NM_001203263.2); c.1055C>T, p.Pro352Leu (NM_001367278.1); c.974C>T, p.Pro325Leu (NM_001367279.1); c.1049C>T, p.Pro350Leu (NM_001367280.1, NM_032732.6); c.1307C>T, p.Pro436Leu (NM_153461.4); c.1059+128C>T (NM_001203264.2); c.1014+128C>T (NM_001203265.2, NM_001410711.1); short protein forms P350L, P352L, P325L, P365L, P436L.
Identifiers: ClinVar variation 2835506 (VCV002835506.3), dbSNP rs748752211, ClinGen allele CA351762399.